The following is an entry in ClinVar:

NM_001395891.1(CLASP1):c.794G>C (p.Ser265Thr)

Gene: CLASP1 (cytoplasmic linker associated protein 1; minus strand). Cytogenetic location: 2q14.2.
Variant type: single nucleotide variant.
Coding change: c.794G>C on transcript NM_001395891.1 (MANE Select); coding-DNA position 794, G replaced by C.
Protein change: p.Ser265Thr; replaces serine 265 with threonine.
Molecular consequence: missense variant.
Genome position (GRCh38, 1-based): chr2:121,469,879, C>G on the plus strand (G>C on the coding strand, the complement: CLASP1 is on the minus strand). VCF-style: chr2-121469879-C-G. GRCh37 (hg19) VCF-style: chr2-122227455-C-G.
Other names: c.794G>C, p.Ser265Thr (NM_001142273.2, NM_001142274.2, NM_001207051.2 and 4 more transcripts); short protein forms S265T.
Identifiers: ClinVar variation 3042897 (VCV003042897.2), dbSNP rs150204660, ClinGen allele CA1854405.

ClinVar aggregate classification (germline): Benign (0 of 4 stars; one submission).

Conditions:
CLASP1-related disorder. Also called: CLASP1-related condition.

Allele frequency attached by ClinVar (database versions not stated): TOPMed 0.00011; gnomAD exomes 0.00121; 1000 Genomes Project 0.00519; 1000 Genomes Project 30x 0.00562.
gnomAD v4.1: 1,883 of 1,613,862 alleles (0.12%); highest among the groups gnomAD compares: South Asian, 2%; 42 homozygotes.

Submission:

PreventionGenetics, part of Exact Sciences
Classification: Benign for CLASP1-related condition. Last evaluated: 2019-09-25. Review status: no assertion criteria provided. Collection method: clinical testing. Allele origin: germline.
Comment: This variant is classified as benign based on ACMG/AMP sequence variant interpretation guidelines (Richards et al. 2015 PMID: 25741868, with internal and published modifications).